The following is an entry in ClinVar:

ClinVar aggregate classification (germline): Likely benign. Review status: reviewed by expert panel (3 of 4 stars). 2 submissions from 2 submitters: Likely benign (1). 1 of the submissions does not count toward it. Last evaluated 2025-01-15.

Conditions:
Hereditary thrombocytopenia and hematologic cancer predisposition syndrome. Identifiers: Orphanet 71290, MedGen CN281654, MONDO:0011071.
Hereditary thrombocytopenia and hematological cancer predisposition syndrome associated with RUNX1. Also called: Familial Platelet Disorder with Propensity to Acute Myelogenous Leukemia; Familial thrombocytopenia with propensity to acute myelogenous leukemia; PLATELET DISORDER, ASPIRIN-LIKE; RUNX1 Familial Platelet Disorder with Associated Myeloid Malignancies. Identifiers: Orphanet 71290, MedGen C1832388, MeSH C563324, MONDO:0100083, OMIM 601399.

Submissions (2):

ClinGen Myeloid Malignancy Variant Curation Expert Panel
Classification: Likely benign for Hereditary thrombocytopenia and hematologic cancer predisposition syndrome. Last evaluated: 2025-01-15. Review status: reviewed by expert panel. Criteria: ClinGen MyeloMalig ACMG Specifications v2. Collection method: curation. Allele origin: germline. Inheritance: Autosomal dominant inheritance.
Comment: NM_001754.5(RUNX1):c.967+13A>G is an intronic variant that has a SpliceAI score ≤ 0.20 (0.00) (BP4). This variant has a SpliceAI score ≤ 0.20 (0.00) and evolutionary conservation algorithms predict the site as not being conserved (PhyloP score ≤ 2.0 (-0.14) (BP7). This variant is completely absent from all population databases with at least 20x coverage for RUNX1 (PM2_Supporting). In summary, this variant meets criteria to be classified as likely benign. ACMG/AMP criteria applied, as specified by the Myeloid Malignancy Variant Curation Expert Panel for RUNX1: BP4, BP7, PM2_Supporting

Labcorp Genetics (formerly Invitae), Labcorp
Classification: Likely benign for Hereditary thrombocytopenia and hematological cancer predisposition syndrome associated with RUNX1. Last evaluated: 2023-10-23. Review status: criteria provided, single submitter. Criteria: Invitae Variant Classification Sherloc (09022015). Collection method: clinical testing. Allele origin: germline. Not counted in ClinVar's aggregate classification.

NM_001754.5(RUNX1):c.967+13A>G

Gene: RUNX1 (RUNX family transcription factor 1; minus strand). Cytogenetic location: 21q22.12.
Variant type: single nucleotide variant.
Coding change: c.967+13A>G on transcript NM_001754.5 (MANE Select); 13 bases into the intron after coding-DNA position 967, A replaced by G.
Molecular consequence: intron variant.
Genome position (GRCh38, 1-based): chr21:34,799,288, T>C on the plus strand (A>G on the coding strand, the complement: RUNX1 is on the minus strand). VCF-style: chr21-34799288-T-C. GRCh37 (hg19) VCF-style: chr21-36171585-T-C.
Other names: c.886+13A>G (NM_001001890.3).
Identifiers: ClinVar variation 2771190 (VCV002771190.4), dbSNP rs2516860342, ClinGen allele CA2697547487.